The following is an entry in ClinVar:

NM_001378454.1(ALMS1):c.11316G>T (p.Glu3772Asp)

Gene: ALMS1 (ALMS1 centrosome and basal body associated protein; plus strand). Cytogenetic location: 2p13.1.
Variant type: single nucleotide variant.
Coding change: c.11316G>T on transcript NM_001378454.1 (MANE Select); coding-DNA position 11316, G replaced by T.
Protein change: p.Glu3772Asp; replaces glutamic acid 3772 with aspartic acid.
Molecular consequence: missense variant.
Genome position (GRCh38, 1-based): chr2:73,573,193, G>T. VCF-style: chr2-73573193-G-T. GRCh37 (hg19) VCF-style: chr2-73800320-G-T.
Other names: c.11319G>T, p.Glu3773Asp (NM_015120.4); short protein forms E3773D, E3772D.
Identifiers: ClinVar variation 599294 (VCV000599294.2), dbSNP rs1019748558, ClinGen allele CA50386964.

ClinVar aggregate classification (germline): Uncertain significance (1 of 4 stars; one submission).

Submission:

Women's Health and Genetics/Laboratory Corporation of America, LabCorp
Classification: Uncertain significance. Last evaluated: 2017-07-17. Review status: criteria provided, single submitter. Criteria: LabCorp Variant Classification Summary - May 2015. Collection method: clinical testing. Allele origin: germline.
Comment: Variant summary: The ALMS1 c.11313G>T (p.Glu3771Asp, alternative name c.11319G>T) variant involves the alteration of a non-conserved nucleotide and 4/4 in silico tools (Polyphen not working at time of scoring) predict a benign outcome. However, these predictions have yet to be functionally assessed. This variant is absent in 119880 control chromosomes (ExAC). The variant of interest has not, to our knowledge, been reported in affected individuals via publications and/or reputable databases/clinical diagnostic laboratories. Because of the absence of clinical information and the lack of functional studies, the variant is classified as a "Variant of Uncertain Significance (VUS)," until additional information becomes available.